The following is an entry in ClinVar:

ClinVar aggregate classification (germline): Conflicting classifications of pathogenicity. Review status: criteria provided, conflicting classifications (1 of 4 stars). 3 submissions from 3 submitters: Uncertain significance (2); Benign (1). Last evaluated 2026-08-05.

Conditions:
ADGRV1-related disorder. Also called: ADGRV1-related condition; ADGRV1-related disorders.

Allele frequency attached by ClinVar (database versions not stated): ExAC 0.00001; gnomAD exomes 0.00001 and 0.00002; gnomAD 0.00002; TOPMed 0.00002.
gnomAD v4.1: 30 of 1,560,500 alleles (0.0019%); highest among the groups gnomAD compares: African/African-American, 0.0055%; no homozygotes.

Submissions (3):

PreventionGenetics, part of Exact Sciences
Classification: Uncertain significance for ADGRV1-related condition. Last evaluated: 2026-08-05. Review status: criteria provided, single submitter. Criteria: ACMG Guidelines, 2015. Collection method: clinical testing. Allele origin: germline.
Comment: The ADGRV1 c.1210G>A variant is predicted to result in the amino acid substitution p.Val404Ile. To our knowledge, this variant has not been reported in the literature. This variant is reported in 0.013% of alleles in individuals of African descent in gnomAD. At this time, the clinical significance of this variant is uncertain due to the absence of conclusive functional and genetic evidence.

Labcorp Genetics (formerly Invitae), Labcorp
Classification: Benign. Last evaluated: 2023-10-22. Review status: criteria provided, single submitter. Criteria: Invitae Variant Classification Sherloc (09022015). Collection method: clinical testing. Allele origin: germline.

Eurofins Ntd Llc (ga)
Classification: Uncertain significance. Last evaluated: 2018-01-16. Review status: criteria provided, single submitter. Criteria: EGL Classification Definitions 2015. Collection method: clinical testing. Allele origin: germline. Observed: 1 variant allele, 1 heterozygote.

NM_032119.4(ADGRV1):c.1210G>A (p.Val404Ile)

Gene: ADGRV1 (adhesion G protein-coupled receptor V1; plus strand). Cytogenetic location: 5q14.3.
Variant type: single nucleotide variant.
Coding change: c.1210G>A on transcript NM_032119.4 (MANE Select); coding-DNA position 1210, G replaced by A.
Protein change: p.Val404Ile; replaces valine 404 with isoleucine.
Molecular consequence: missense variant. On other transcripts: non-coding transcript variant (1).
Genome position (GRCh38, 1-based): chr5:90,627,748, G>A. VCF-style: chr5-90627748-G-A. GRCh37 (hg19) VCF-style: chr5-89923565-G-A.
Other names: c.1210G>A (NM_032119.3); short protein forms V404I.
Identifiers: ClinVar variation 595503 (VCV000595503.14), dbSNP rs780748586, ClinGen allele CA3338625.